The following is an entry in ClinVar:

NM_198578.4(LRRK2):c.4373A>C (p.Asp1458Ala)

Gene: LRRK2 (leucine rich repeat kinase 2; plus strand). Cytogenetic location: 12q12.
Variant type: single nucleotide variant.
Coding change: c.4373A>C on transcript NM_198578.4 (MANE Select); coding-DNA position 4373, A replaced by C.
Protein change: p.Asp1458Ala; replaces aspartic acid 1458 with alanine.
Molecular consequence: missense variant.
Genome position (GRCh38, 1-based): chr12:40,310,486, A>C. VCF-style: chr12-40310486-A-C. GRCh37 (hg19) VCF-style: chr12-40704288-A-C.
Other names: short protein forms D1458A.
Identifiers: ClinVar variation 1910665 (VCV001910665.5), dbSNP rs2499827122, ClinGen allele CA384418360.

ClinVar aggregate classification (germline): Uncertain significance (1 of 4 stars; one submission).

Conditions:
Autosomal dominant Parkinson disease 8. Also called: LRRK2-Related Parkinson Disease; Parkinson disease 8; Parkinson disease 8, susceptibility to. Identifiers: Orphanet 411602, MedGen C1846862, MONDO:0011764, OMIM 607060.

Submission:

Labcorp Genetics (formerly Invitae), Labcorp
Classification: Uncertain significance for Autosomal dominant Parkinson disease 8. Last evaluated: 2022-06-17. Review status: criteria provided, single submitter. Criteria: Invitae Variant Classification Sherloc (09022015). Collection method: clinical testing. Allele origin: germline.
Comment: In summary, the available evidence is currently insufficient to determine the role of this variant in disease. Therefore, it has been classified as a Variant of Uncertain Significance. Algorithms developed to predict the effect of missense changes on protein structure and function (SIFT, PolyPhen-2, Align-GVGD) all suggest that this variant is likely to be tolerated. This variant has not been reported in the literature in individuals affected with LRRK2-related conditions. This variant is not present in population databases (gnomAD no frequency). This sequence change replaces aspartic acid, which is acidic and polar, with alanine, which is neutral and non-polar, at codon 1458 of the LRRK2 protein (p.Asp1458Ala).